The following is an entry in ClinVar:

NM_000059.4(BRCA2):c.4059A>C (p.Glu1353Asp)

Gene: BRCA2 (BRCA2 DNA repair associated; plus strand). Cytogenetic location: 13q13.1.
Variant type: single nucleotide variant.
Coding change: c.4059A>C on transcript NM_000059.4 (MANE Select); coding-DNA position 4059, A replaced by C.
Protein change: p.Glu1353Asp; replaces glutamic acid 1353 with aspartic acid.
Molecular consequence: missense variant.
Genome position (GRCh38, 1-based): chr13:32,338,414, A>C. VCF-style: chr13-32338414-A-C. GRCh37 (hg19) VCF-style: chr13-32912551-A-C.
Other names: c.4059A>C, p.Glu1353Asp (NM_001406719.1, NM_001406720.1); short protein forms E1353D.
Identifiers: ClinVar variation 1710049 (VCV001710049.4), dbSNP rs2137502539, ClinGen allele CA387779128.

ClinVar aggregate classification (germline): Likely benign. Review status: criteria provided, multiple submitters, no conflicts (2 of 4 stars). 2 submissions from 2 submitters: Likely benign (2). Last evaluated 2024-02-09.

Conditions:
Hereditary cancer-predisposing syndrome. Also called: Neoplastic Syndromes, Hereditary; Tumor predisposition; Hereditary Cancer Syndrome; Hereditary neoplastic syndrome. Identifiers: Orphanet 140162, MedGen C0027672, MeSH D009386, MONDO:0015356.
Familial cancer of breast. Also called: Hereditary breast cancer; BREAST CANCER, FAMILIAL; hereditary breast carcinoma. Identifiers: Orphanet 227535, MedGen C0346153, MONDO:0016419, OMIM 114480. Disease mechanism: loss of function.

Submissions (2):

MGZ Medical Genetics Center
Classification: Likely benign for Familial cancer of breast. Last evaluated: 2024-02-09. Review status: criteria provided, single submitter. Criteria: CSpec BRCA1/2ACMG Rules Specifications V1.1.0. Collection method: clinical testing. Allele origin: germline. Affected: yes.
Comment: ACMG codes applied following ENIGMA VCEP rules: BP1_STR, PM2_SUP

University of Washington Department of Laboratory Medicine, University of Washington
Classification: Likely benign for Hereditary cancer-predisposing syndrome. Last evaluated: 2023-03-23. Review status: criteria provided, single submitter. Criteria: Dines et al. (Genet Med. 2020). Collection method: curation. Allele origin: germline.
Comment: Missense variant in a coldspot region where missense variants are very unlikely to be pathogenic (PMID:31911673).

BRCA2 exon 11 coldspot. Reclassification based on statistical prior probability.